The following is an entry in ClinVar:

NM_004341.5(CAD):c.4861A>G (p.Ile1621Val)

Gene: CAD (carbamoyl-phosphate synthetase 2, aspartate transcarbamylase, and dihydroorotase; plus strand). Cytogenetic location: 2p23.3.
Variant type: single nucleotide variant.
Coding change: c.4861A>G on transcript NM_004341.5 (MANE Select); coding-DNA position 4861, A replaced by G.
Protein change: p.Ile1621Val; replaces isoleucine 1621 with valine.
Molecular consequence: missense variant.
Genome position (GRCh38, 1-based): chr2:27,238,431, A>G. VCF-style: chr2-27238431-A-G. GRCh37 (hg19) VCF-style: chr2-27461299-A-G.
Other names: c.4672A>G, p.Ile1558Val (NM_001306079.2); short protein forms I1558V, I1621V.
Identifiers: ClinVar variation 1377361 (VCV001377361.5), dbSNP rs2148089452, ClinGen allele CA346221614.

ClinVar aggregate classification (germline): Uncertain significance (1 of 4 stars; one submission).

Submission:

Labcorp Genetics (formerly Invitae), Labcorp
Classification: Uncertain significance. Last evaluated: 2021-08-26. Review status: criteria provided, single submitter. Criteria: Invitae Variant Classification Sherloc (09022015). Collection method: clinical testing. Allele origin: germline.
Comment: This sequence change replaces isoleucine with valine at codon 1621 of the CAD protein (p.Ile1621Val). The isoleucine residue is highly conserved and there is a small physicochemical difference between isoleucine and valine. This variant is not present in population databases (ExAC no frequency). This variant has not been reported in the literature in individuals affected with CAD-related conditions. Algorithms developed to predict the effect of missense changes on protein structure and function are either unavailable or do not agree on the potential impact of this missense change (SIFT: "Tolerated"; PolyPhen-2: "Possibly Damaging"; Align-GVGD: "Class C0"). Algorithms developed to predict the effect of sequence changes on RNA splicing suggest that this variant may create or strengthen a splice site. In summary, the available evidence is currently insufficient to determine the role of this variant in disease. Therefore, it has been classified as a Variant of Uncertain Significance.